The following is an entry in ClinVar:

NM_015386.3(COG4):c.897G>A (p.Gly299=)

Gene: COG4 (component of oligomeric golgi complex 4; minus strand). Cytogenetic location: 16q22.1.
Variant type: single nucleotide variant.
Coding change: c.897G>A on transcript NM_015386.3 (MANE Select); coding-DNA position 897, G replaced by A.
Protein change: p.Gly299=; no amino-acid change (glycine 299 retained).
Molecular consequence: synonymous variant. On other transcripts: non-coding transcript variant (1).
Genome position (GRCh38, 1-based): chr16:70,509,336, C>T on the plus strand (G>A on the coding strand, the complement: COG4 is on the minus strand). VCF-style: chr16-70509336-C-T. GRCh37 (hg19) VCF-style: chr16-70543239-C-T.
Other names: c.885G>A, p.Gly295= (NM_001195139.2); c.471G>A, p.Gly157= (NM_001365426.1).
Identifiers: ClinVar variation 383649 (VCV000383649.15), dbSNP rs138661425, ClinGen allele CA8144538.

ClinVar aggregate classification (germline): Benign/Likely benign. Review status: criteria provided, multiple submitters, no conflicts (2 of 4 stars). 5 submissions from 5 submitters: Benign (3); Likely benign (1). 1 of the submissions does not count toward it. Last evaluated 2026-08-01.

Conditions:
COG4-congenital disorder of glycosylation. Also called: CONGENITAL DISORDER OF GLYCOSYLATION, TYPE IIj; CDG IIj; COG4-CDG. Identifiers: Orphanet 263501, MedGen C4303552, MONDO:0013281, OMIM 613489.
COG4-related disorder. Also called: COG4-related condition.

Allele frequency attached by ClinVar (database versions not stated): ESP Exome Variant Server 0.00054; gnomAD exomes 0.00065 and 0.00255; gnomAD 0.00156 and 0.00159; ExAC 0.00213; TOPMed 0.00239; 1000 Genomes Project 0.00280; 1000 Genomes Project 30x 0.00281.

Submissions (5):

CeGaT Center for Human Genetics Tuebingen
Classification: Likely benign. Last evaluated: 2026-08-01. Review status: criteria provided, single submitter. Criteria: CeGaT Center For Human Genetics Tuebingen Variant Classification Criteria Version 2. Collection method: clinical testing. Allele origin: germline. Affected: yes. Observed: 2 variant alleles.
Comment: COG4: BP4, BP7, BS1

Labcorp Genetics (formerly Invitae), Labcorp
Classification: Benign for COG4-congenital disorder of glycosylation. Last evaluated: 2026-02-03. Review status: criteria provided, single submitter. Criteria: Invitae Variant Classification Sherloc (09022015). Collection method: clinical testing. Allele origin: germline.

GeneDx
Classification: Benign. Last evaluated: 2017-11-17. Review status: criteria provided, single submitter. Criteria: GeneDx Variant Classification (06012015). Collection method: clinical testing. Allele origin: germline. Affected: yes.
Comment: This variant is considered likely benign or benign based on one or more of the following criteria: it is a conservative change, it occurs at a poorly conserved position in the protein, it is predicted to be benign by multiple in silico algorithms, and/or has population frequency not consistent with disease.

Breakthrough Genomics
Classification: Benign. Review status: criteria provided, single submitter. Criteria: ACMG Guidelines, 2015. Collection method: not provided. Allele origin: germline. Inheritance: Autosomal recessive inheritance. Affected: yes.

PreventionGenetics, part of Exact Sciences
Classification: Benign for COG4-related condition. Last evaluated: 2023-12-28. Review status: no assertion criteria provided. Collection method: clinical testing. Allele origin: germline. Not counted in ClinVar's aggregate classification.
Comment: This variant is classified as benign based on ACMG/AMP sequence variant interpretation guidelines (Richards et al. 2015 PMID: 25741868, with internal and published modifications).